The following is an entry in ClinVar:

NM_001165963.4(SCN1A):c.4991T>A (p.Met1664Lys)

Genes: SCN1A (sodium voltage-gated channel alpha subunit 1; minus strand), LOC102724058 (uncharacterized LOC102724058; plus strand). Cytogenetic location: 2q24.3.
Variant type: single nucleotide variant.
Coding change: c.4991T>A on transcript NM_001165963.4 (MANE Select); coding-DNA position 4991, T replaced by A.
Protein change: p.Met1664Lys; replaces methionine 1664 with lysine.
Molecular consequence: missense variant. On other transcripts: non-coding transcript variant (1).
Genome position (GRCh38, 1-based): chr2:165,992,284, A>T on the plus strand (T>A on the coding strand, the complement: SCN1A is on the minus strand). VCF-style: chr2-165992284-A-T. GRCh37 (hg19) VCF-style: chr2-166848794-A-T.
Other names: c.4907T>A, p.Met1636Lys (NM_001165964.3, NM_001353957.2, NM_001353958.2); c.4991T>A, p.Met1664Lys (NM_001202435.3, NM_001353948.2); c.4958T>A, p.Met1653Lys (NM_001353949.2, NM_001353950.2, NM_001353951.2 and 2 more transcripts); c.4955T>A, p.Met1652Lys (NM_001353954.2, NM_001353955.2); c.4904T>A, p.Met1635Lys (NM_001353960.2); c.2549T>A, p.Met850Lys (NM_001353961.2); short protein forms M1653K, M1664K, M850K, M1636K, M1652K, M1635K.
Identifiers: ClinVar variation 68645 (VCV000068645.3), dbSNP rs121918765, ClinGen allele CA285198.
Genomic context (GRCh38, chr2:165,992,284, plus strand): 5'-TAGATGAACATGACTAGGAAGAGTAGGAGGCCGATGTTAAACAACGCAGGAAGGGACATC[A>T]TCAAAGCAAAGAGCAGCGTGCGGATCCCCTTTGCTCCTTTGATCAGACGTAGGATTCGGC-3'
Protein context (NP_001159435.1, residues 1654-1674): KGIRTLLFAL[Met1664Lys]MSLPALFNIG

ClinVar aggregate classification (germline): not provided (0 of 4 stars; one submission).

Conditions:
Severe myoclonic epilepsy in infancy (DRVT). Also called: SEVERE MYOCLONIC EPILEPSY OF INFANCY; DEVELOPMENTAL AND EPILEPTIC ENCEPHALOPATHY 6A; Severe Myoclonic Epilepsy in Infancy (SMEI); Dravet syndrome; Epileptic encephalopathy, early infantile, 6 (Dravet syndrome). Identifiers: Orphanet 33069, MedGen C0751122, MONDO:0100135, OMIM 607208.

Submissions (2):

Channelopathy-Associated Epilepsy Research Center
No classification provided (evidence only). Condition: Severe myoclonic epilepsy in infancy. Review status: no classification provided. Collection method: literature only. Allele origin: not applicable. Functional consequence: Severe decrease in peak current, Overall loss-of-function effect with respect to biophysical channel activity. Not counted in ClinVar's aggregate classification.
ClinVar note: "not provided" was previously submitted as the classification for the variant. However, the classification appeared to be based only on an observation of functional data so it was converted to no classification on 2025-07-30.

UniProtKB/Swiss-Prot
No classification provided. Condition: Severe myoclonic epilepsy in infancy. Review status: no classification provided. Collection method: not provided. Allele origin: germline.

Literature cited by the submitters: PubMed 25576396 (cited by Channelopathy-Associated Epilepsy Research Center).